The following is an entry in ClinVar:

NM_005263.5(GFI1):c.835A>G (p.Ser279Gly)

Gene: GFI1 (growth factor independent 1 transcriptional repressor; minus strand). Cytogenetic location: 1p22.1.
Variant type: single nucleotide variant.
Coding change: c.835A>G on transcript NM_005263.5 (MANE Select); coding-DNA position 835, A replaced by G.
Protein change: p.Ser279Gly; replaces serine 279 with glycine.
Molecular consequence: missense variant.
Genome position (GRCh38, 1-based): chr1:92,480,437, T>C on the plus strand (A>G on the coding strand, the complement: GFI1 is on the minus strand). VCF-style: chr1-92480437-T-C. GRCh37 (hg19) VCF-style: chr1-92945994-T-C.
Other names: c.835A>G, p.Ser279Gly (NM_001127215.3, NM_001127216.3); short protein forms S279G.
Identifiers: ClinVar variation 1473861 (VCV001473861.8), dbSNP rs1404247690, ClinGen allele CA341148627.
Genomic context (GRCh38, chr1:92,480,437, plus strand): 5'-GGCTCACCGCGTGCCCGAAGGTCTTGCCGCACATCTCGCAGGCAAAGGGTCTGGTACCGC[T>C]GTGGGACCTGCGCACGTGCACCTCGAGCCCGTGCGGCGTGGAGAACACCTAAGGCGGGTG-3'
Protein context (NP_005254.2, residues 269-289): GLEVHVRRSH[Ser279Gly]GTRPFACEMC

ClinVar aggregate classification (germline): Uncertain significance (1 of 4 stars; one submission).

Conditions:
Neutropenia, severe congenital, 2, autosomal dominant. Identifiers: Orphanet 486, MedGen C2751288, MONDO:0013139, OMIM 613107.

Submission:

Labcorp Genetics (formerly Invitae), Labcorp
Classification: Uncertain significance for Neutropenia, severe congenital, 2, autosomal dominant. Last evaluated: 2025-03-10. Review status: criteria provided, single submitter. Criteria: Invitae Variant Classification Sherloc (09022015). Collection method: clinical testing. Allele origin: germline.
Comment: This sequence change replaces serine, which is neutral and polar, with glycine, which is neutral and non-polar, at codon 279 of the GFI1 protein (p.Ser279Gly). This variant is not present in population databases (gnomAD no frequency). This variant has not been reported in the literature in individuals affected with GFI1-related conditions. ClinVar contains an entry for this variant (Variation ID: 1473861). Invitae Evidence Modeling of protein sequence and biophysical properties (such as structural, functional, and spatial information, amino acid conservation, physicochemical variation, residue mobility, and thermodynamic stability) indicates that this missense variant is not expected to disrupt GFI1 protein function with a negative predictive value of 80%. In summary, the available evidence is currently insufficient to determine the role of this variant in disease. Therefore, it has been classified as a Variant of Uncertain Significance.